The following is an entry in ClinVar:

ClinVar aggregate classification (germline): Benign/Likely benign. Review status: criteria provided, multiple submitters, no conflicts (2 of 4 stars). 8 submissions from 8 submitters: Benign (2); Likely benign (6). Last evaluated 2026-03-19.

Conditions:
CYP2U1-related disorder. Also called: CYP2U1-related condition.
Spastic paraplegia. Identifiers: MedGen C0037772, HP:0001258.
Hereditary spastic paraplegia. Also called: Familial spastic paraparesis. Identifiers: Orphanet 685, MedGen C0037773, MONDO:0019064. Disease mechanism: loss of function.
Inborn genetic diseases. Identifiers: MedGen C0950123, MeSH D030342.

Allele frequency attached by ClinVar (database versions not stated): TOPMed 0.00114; gnomAD 0.00141 and 0.00143; gnomAD exomes 0.00145 and 0.00178; 1000 Genomes Project 30x 0.00172; 1000 Genomes Project 0.00180; ExAC 0.00187; ESP Exome Variant Server 0.00092.

Submissions (8):

PreventionGenetics, part of Exact Sciences
Classification: Likely benign for CYP2U1-related condition. Last evaluated: 2026-03-19. Review status: criteria provided, single submitter. Criteria: ACMG Guidelines, 2015. Collection method: clinical testing. Allele origin: germline.
Comment: This variant is classified as likely benign based on ACMG/AMP sequence variant interpretation guidelines (Richards et al. 2015 PMID: 25741868, with internal and published modifications).

CeGaT Center for Human Genetics Tuebingen
Classification: Likely benign. Last evaluated: 2026-02-01. Review status: criteria provided, single submitter. Criteria: CeGaT Center For Human Genetics Tuebingen Variant Classification Criteria Version 2. Collection method: clinical testing. Allele origin: germline. Affected: yes. Observed: 4 variant alleles.
Comment: CYP2U1: BS2

Labcorp Genetics (formerly Invitae), Labcorp
Classification: Benign for Spastic paraplegia. Last evaluated: 2025-12-06. Review status: criteria provided, single submitter. Criteria: Invitae Variant Classification Sherloc (09022015). Collection method: clinical testing. Allele origin: germline.

Mayo Clinic Laboratories, Mayo Clinic
Classification: Benign. Last evaluated: 2025-07-14. Review status: criteria provided, single submitter. Criteria: ACMG Guidelines, 2015. Collection method: clinical testing. Allele origin: germline. Observed: 1 variant allele.
Comment: BS1, BS2

Blueprint Genetics
Classification: Likely benign. Last evaluated: 2024-10-24. Review status: criteria provided, single submitter. Criteria: ACMG Guidelines, 2015. Collection method: clinical testing. Allele origin: germline.

Ambry Genetics
Classification: Likely benign for Inborn genetic diseases. Last evaluated: 2022-04-04. Review status: criteria provided, single submitter. Criteria: Ambry Variant Classification Scheme 2023. Collection method: clinical testing. Allele origin: germline.

GeneDx
Classification: Likely benign. Last evaluated: 2019-03-29. Review status: criteria provided, single submitter. Criteria: GeneDx Variant Classification Process June 2021. Collection method: clinical testing. Allele origin: germline. Affected: yes.

Genome Diagnostics Laboratory, The Hospital for Sick Children
Classification: Likely benign for Hereditary spastic paraplegia. Last evaluated: 2019-03-01. Review status: criteria provided, single submitter. Criteria: ACMG Guidelines, 2015. Collection method: clinical testing. Allele origin: germline. Affected: yes.

NM_183075.3(CYP2U1):c.850T>C (p.Phe284Leu)

Gene: CYP2U1 (cytochrome P450 family 2 subfamily U member 1; plus strand). Cytogenetic location: 4q25.
Variant type: single nucleotide variant.
Coding change: c.850T>C on transcript NM_183075.3 (MANE Select); coding-DNA position 850, T replaced by C.
Protein change: p.Phe284Leu; replaces phenylalanine 284 with leucine.
Molecular consequence: missense variant.
Genome position (GRCh38, 1-based): chr4:107,945,329, T>C. VCF-style: chr4-107945329-T-C. GRCh37 (hg19) VCF-style: chr4-108866485-T-C.
Other names: p.Phe284Leu; short protein forms F284L.
Identifiers: ClinVar variation 512742 (VCV000512742.58), dbSNP rs148477072, ClinGen allele CA3037070.
Genomic context (GRCh38, chr4:107,945,329, plus strand): 5'-AACAGTCAAGTCCTCCTGGTCAACATATGCCCTTGGCTTTATTACCTTCCCTTTGGACCA[T>C]TTAAGGAATTAAGACAAATTGAAAAGGATATAACCAGTTTCCTTAAAAAAATCATCAAAG-3'
Protein context (NP_898898.1, residues 274-294): PWLYYLPFGP[Phe284Leu]KELRQIEKDI